The following is an entry in ClinVar:

NM_015450.3(POT1):c.1060_1063del (p.Gln354fs)

Gene: POT1 (protection of telomeres 1; minus strand). Cytogenetic location: 7q31.33.
Variant type: Deletion.
Coding change: c.1060_1063del on transcript NM_015450.3 (MANE Select); coding-DNA positions 1060 to 1063, 4 bases deleted (CAAA; older notation c.1060_1063delCAAA).
Protein change: p.Gln354fs; shifts the reading frame from glutamine 354.
Molecular consequence: frameshift variant. On other transcripts: non-coding transcript variant (3).
Genome position (GRCh38, 1-based): chr7:124,842,907-124,842,910, TTTG deleted on the plus strand (CAAA on the coding strand, the reverse complement: POT1 is on the minus strand); deleting any 4 consecutive bases within chr7:124,842,907-124,842,913 gives the same sequence; the c. name uses the placement nearest the transcript's 3' end. VCF-style (leftmost placement, unchanged base first): chr7-124842906-TTTTG-T. GRCh37 (hg19) VCF-style: chr7-124482960-TTTTG-T.
Other names: c.1060_1063delCAAA (NM_015450.2); c.667_670del, p.Gln223fs (NM_001042594.2); short protein forms Q354fs, Q223fs.
Identifiers: ClinVar variation 2089956 (VCV002089956.5), dbSNP rs2485402405, ClinGen allele CA2580076467.

ClinVar aggregate classification (germline): Pathogenic. Review status: criteria provided, multiple submitters, no conflicts (2 of 4 stars). 2 submissions from 2 submitters: Pathogenic (2). Last evaluated 2025-07-17.

Conditions:
Tumor predisposition syndrome 3 (TPDS3). Also called: Melanoma, cutaneous malignant, susceptibility to, 10; Glioma susceptibility 9; LONG TELOMERE SYNDROME, POT1-RELATED; POT1 Tumor Predisposition. Identifiers: Orphanet 618, MedGen C4014476, MONDO:0014368, OMIM 615848.
Hereditary cancer-predisposing syndrome. Also called: Neoplastic Syndromes, Hereditary; Tumor predisposition; Hereditary Cancer Syndrome; Hereditary neoplastic syndrome. Identifiers: Orphanet 140162, MedGen C0027672, MeSH D009386, MONDO:0015356.

Submissions (2):

Labcorp Genetics (formerly Invitae), Labcorp
Classification: Pathogenic for Tumor predisposition syndrome 3. Last evaluated: 2025-07-17. Review status: criteria provided, single submitter. Criteria: Invitae Variant Classification Sherloc (09022015). Collection method: clinical testing. Allele origin: germline.
Comment: This sequence change creates a premature translational stop signal (p.Gln354Lysfs*12) in the POT1 gene. It is expected to result in an absent or disrupted protein product. Loss-of-function variants in POT1 are known to be pathogenic (PMID: 32155570). This variant is not present in population databases (gnomAD no frequency). This variant has not been reported in the literature in individuals affected with POT1-related conditions. ClinVar contains an entry for this variant (Variation ID: 2089956). For these reasons, this variant has been classified as Pathogenic.

Ambry Genetics
Classification: Pathogenic for Hereditary cancer-predisposing syndrome. Last evaluated: 2024-04-09. Review status: criteria provided, single submitter. Criteria: Ambry Variant Classification Scheme 2023. Collection method: clinical testing. Allele origin: germline.
Comment: The c.1060_1063delCAAA pathogenic mutation, located in coding exon 9 of the POT1 gene, results from a deletion of 4 nucleotides at nucleotide positions 1060 to 1063, causing a translational frameshift with a predicted alternate stop codon (p.Q354Kfs*12). This variant is considered to be rare based on population cohorts in the Genome Aggregation Database (gnomAD). This alteration is expected to result in loss of function by premature protein truncation or nonsense-mediated mRNA decay. As such, this alteration is interpreted as a disease-causing mutation.

Literature cited by the submitters: PubMed 32155570 (cited by Labcorp Genetics (formerly Invitae), Labcorp).